The following is an entry in ClinVar:

ClinVar aggregate classification (germline): Uncertain significance (1 of 4 stars; one submission).

Conditions:
Early-infantile DEE. Also called: Ohtahara syndrome; Early infantile epileptic encephalopathy; Early infantile epileptic encephalopathy with suppression bursts. Identifiers: Orphanet 1934, MedGen C0393706, MONDO:0800491.

Submission:

Labcorp Genetics (formerly Invitae), Labcorp
Classification: Uncertain significance for Early-infantile DEE. Last evaluated: 2024-05-17. Review status: criteria provided, single submitter. Criteria: Invitae Variant Classification Sherloc (09022015). Collection method: clinical testing. Allele origin: germline.
Comment: This sequence change replaces alanine, which is neutral and non-polar, with proline, which is neutral and non-polar, at codon 714 of the HCN1 protein (p.Ala714Pro). This variant is not present in population databases (gnomAD no frequency). This variant has not been reported in the literature in individuals affected with HCN1-related conditions. Advanced modeling of protein sequence and biophysical properties (such as structural, functional, and spatial information, amino acid conservation, physicochemical variation, residue mobility, and thermodynamic stability) performed at Invitae indicates that this missense variant is not expected to disrupt HCN1 protein function with a negative predictive value of 80%. In summary, the available evidence is currently insufficient to determine the role of this variant in disease. Therefore, it has been classified as a Variant of Uncertain Significance.

NM_021072.4(HCN1):c.2140G>C (p.Ala714Pro)

Gene: HCN1 (hyperpolarization activated cyclic nucleotide gated potassium channel 1; minus strand). Cytogenetic location: 5p12.
Variant type: single nucleotide variant.
Coding change: c.2140G>C on transcript NM_021072.4 (MANE Select); coding-DNA position 2140, G replaced by C.
Protein change: p.Ala714Pro; replaces alanine 714 with proline.
Molecular consequence: missense variant.
Genome position (GRCh38, 1-based): chr5:45,262,454, C>G on the plus strand (G>C on the coding strand, the complement: HCN1 is on the minus strand). VCF-style: chr5-45262454-C-G. GRCh37 (hg19) VCF-style: chr5-45262556-C-G.
Other names: short protein forms A714P.
Identifiers: ClinVar variation 3653725 (VCV003653725.2).